The following is an entry in ClinVar:

ClinVar aggregate classification (germline): Uncertain significance (1 of 4 stars; one submission).

Allele frequency attached by ClinVar (database versions not stated): gnomAD exomes below 0.00001.

Submission:

Labcorp Genetics (formerly Invitae), Labcorp
Classification: Uncertain significance. Last evaluated: 2022-07-06. Review status: criteria provided, single submitter. Criteria: Invitae Variant Classification Sherloc (09022015). Collection method: clinical testing. Allele origin: germline.
Comment: Algorithms developed to predict the effect of missense changes on protein structure and function (SIFT, PolyPhen-2, Align-GVGD) all suggest that this variant is likely to be disruptive. This variant has not been reported in the literature in individuals affected with ADAMTSL4-related conditions. This variant is present in population databases (no rsID available, gnomAD 0.0009%). This sequence change replaces threonine, which is neutral and polar, with proline, which is neutral and non-polar, at codon 1003 of the ADAMTSL4 protein (p.Thr1003Pro). In summary, the available evidence is currently insufficient to determine the role of this variant in disease. Therefore, it has been classified as a Variant of Uncertain Significance.

NM_019032.6(ADAMTSL4):c.3007A>C (p.Thr1003Pro)

Gene: ADAMTSL4 (ADAMTS like 4; plus strand). Cytogenetic location: 1q21.2.
Variant type: single nucleotide variant.
Coding change: c.3007A>C on transcript NM_019032.6 (MANE Select); coding-DNA position 3007, A replaced by C.
Protein change: p.Thr1003Pro; replaces threonine 1003 with proline.
Molecular consequence: missense variant.
Genome position (GRCh38, 1-based): chr1:150,559,824, A>C. VCF-style: chr1-150559824-A-C. GRCh37 (hg19) VCF-style: chr1-150532300-A-C.
Other names: c.2890A>C, p.Thr964Pro (NM_001288607.2); c.3076A>C, p.Thr1026Pro (NM_001288608.2); c.3007A>C, p.Thr1003Pro (NM_001378596.1); short protein forms T1026P, T964P, T1003P.
Identifiers: ClinVar variation 2014429 (VCV002014429.4), dbSNP rs1244389332, ClinGen allele CA342318461.